The following is an entry in ClinVar:

NM_001876.4(CPT1A):c.937A>G (p.Asn313Asp)

Gene: CPT1A (carnitine palmitoyltransferase 1A; minus strand). Cytogenetic location: 11q13.3.
Variant type: single nucleotide variant.
Coding change: c.937A>G on transcript NM_001876.4 (MANE Select); coding-DNA position 937, A replaced by G.
Protein change: p.Asn313Asp; replaces asparagine 313 with aspartic acid.
Molecular consequence: missense variant.
Genome position (GRCh38, 1-based): chr11:68,793,345, T>C on the plus strand (A>G on the coding strand, the complement: CPT1A is on the minus strand). VCF-style: chr11-68793345-T-C. GRCh37 (hg19) VCF-style: chr11-68560813-T-C.
Other names: c.937A>G, p.Asn313Asp (NM_001031847.3); short protein forms N313D.
Identifiers: ClinVar variation 1486971 (VCV001486971.8), dbSNP rs2153999597, ClinGen allele CA381634198.
Genomic context (GRCh38, chr11:68,793,345, plus strand): 5'-TCCAGGGGGCCCTGAAGAAGCTTGACTCACCTGTCTCCTCTCCTGGGATCCGGGAAGTAT[T>C]AAACATCCGCTCCCACTGAGCGGAGCAGAGTGGAATCGTGGATCCCAAAAGACGAATCTG-3'
Protein context (NP_001867.2, residues 303-323): LCSAQWERMF[Asn313Asp]TSRIPGEETD

ClinVar aggregate classification (germline): Uncertain significance (1 of 4 stars; one submission).

Conditions:
Carnitine palmitoyl transferase 1A deficiency. Also called: CPT I DEFICIENCY; CPT DEFICIENCY, HEPATIC, TYPE I; Carnitine palmitoyltransferase 1A deficiency; CPT deficiency, hepatic, type IA; Carnitine palmitoyltransferase type I deficiency. Identifiers: Orphanet 156, MedGen C1829703, MONDO:0009705, OMIM 255120.

Submission:

Labcorp Genetics (formerly Invitae), Labcorp
Classification: Uncertain significance for Carnitine palmitoyl transferase 1A deficiency. Last evaluated: 2021-04-28. Review status: criteria provided, single submitter. Criteria: Invitae Variant Classification Sherloc (09022015). Collection method: clinical testing. Allele origin: germline.
Comment: In summary, the available evidence is currently insufficient to determine the role of this variant in disease. Therefore, it has been classified as a Variant of Uncertain Significance. Algorithms developed to predict the effect of missense changes on protein structure and function are either unavailable or do not agree on the potential impact of this missense change (SIFT: "Deleterious"; PolyPhen-2: "Possibly Damaging"; Align-GVGD: "Class C0"). This variant has not been reported in the literature in individuals with CPT1A-related conditions. This variant is not present in population databases (ExAC no frequency). This sequence change replaces asparagine with aspartic acid at codon 313 of the CPT1A protein (p.Asn313Asp). The asparagine residue is highly conserved and there is a small physicochemical difference between asparagine and aspartic acid.